The following is an entry in ClinVar:

ClinVar aggregate classification (germline): Benign/Likely benign. Review status: criteria provided, multiple submitters, no conflicts (2 of 4 stars). 3 submissions from 3 submitters: Benign (1); Likely benign (2). Last evaluated 2025-12-19.

Conditions:
FG syndrome (FGS). Identifiers: MedGen C0220769, MONDO:0002010.
Familial thoracic aortic aneurysm and aortic dissection (TAAD). Also called: Thoracic aortic aneurysms and dissections. Identifiers: Orphanet 91387, MedGen C4707243, MONDO:0019625.
MED12-Related Disorders. Also called: MED12-related disorder; MED12-related condition. Identifiers: MedGen CN381102.

Allele frequency attached by ClinVar (database versions not stated): gnomAD below 0.00001 and 0.00002; TOPMed 0.00003; gnomAD exomes 0.00006 and 0.00007; ExAC 0.00010; ESP Exome Variant Server 0.00020.

Submissions (3):

Labcorp Genetics (formerly Invitae), Labcorp
Classification: Benign for FG syndrome. Last evaluated: 2025-12-19. Review status: criteria provided, single submitter. Criteria: Invitae Variant Classification Sherloc (09022015). Collection method: clinical testing. Allele origin: germline.

PreventionGenetics, part of Exact Sciences
Classification: Likely benign for MED12-related condition. Last evaluated: 2024-12-08. Review status: criteria provided, single submitter. Criteria: ACMG Guidelines, 2015. Collection method: clinical testing. Allele origin: germline.
Comment: This variant is classified as likely benign based on ACMG/AMP sequence variant interpretation guidelines (Richards et al. 2015 PMID: 25741868, with internal and published modifications).

Ambry Genetics
Classification: Likely benign for Familial thoracic aortic aneurysm and aortic dissection. Last evaluated: 2019-09-20. Review status: criteria provided, single submitter. Criteria: Ambry Variant Classification Scheme 2023. Collection method: clinical testing. Allele origin: germline.

NM_005120.3(MED12):c.1639G>A (p.Ala547Thr)

Genes: MED12 (mediator complex subunit 12; plus strand), LOC126863275 (BRD4-independent group 4 enhancer GRCh37_chrX:70342400-70343599; plus strand). Cytogenetic location: Xq13.1.
Variant type: single nucleotide variant.
Coding change: c.1639G>A on transcript NM_005120.3 (MANE Select); coding-DNA position 1639, G replaced by A.
Protein change: p.Ala547Thr; replaces alanine 547 with threonine.
Molecular consequence: missense variant.
Genome position (GRCh38, 1-based): chrX:71,123,615, G>A. VCF-style: chrX-71123615-G-A. GRCh37 (hg19) VCF-style: chrX-70343465-G-A.
Other names: short protein forms A547T.
Identifiers: ClinVar variation 702903 (VCV000702903.14), dbSNP rs370812643, ClinGen allele CA10444214.